The following is an entry in ClinVar:

NM_017654.4(SAMD9):c.3701G>A (p.Gly1234Glu)

Gene: SAMD9 (sterile alpha motif domain containing 9; minus strand). Cytogenetic location: 7q21.2.
Variant type: single nucleotide variant.
Coding change: c.3701G>A on transcript NM_017654.4 (MANE Select); coding-DNA position 3701, G replaced by A.
Protein change: p.Gly1234Glu; replaces glycine 1234 with glutamic acid.
Molecular consequence: missense variant.
Genome position (GRCh38, 1-based): chr7:93,102,397, C>T on the plus strand (G>A on the coding strand, the complement: SAMD9 is on the minus strand). VCF-style: chr7-93102397-C-T. GRCh37 (hg19) VCF-style: chr7-92731710-C-T.
Other names: c.3701G>A, p.Gly1234Glu (NM_001193307.2); c.3701G>A (NM_017654.3); short protein forms G1234E.
Identifiers: ClinVar variation 1013554 (VCV001013554.39), dbSNP rs1791548042, ClinGen allele CA368183446.

ClinVar aggregate classification (germline): Uncertain significance. Review status: criteria provided, multiple submitters, no conflicts (2 of 4 stars). 2 submissions from 2 submitters: Uncertain significance (2). Last evaluated 2025-01-17.

Conditions:
Inborn genetic diseases. Identifiers: MedGen C0950123, MeSH D030342.

Allele frequency attached by ClinVar (database versions not stated): gnomAD exomes below 0.00001.
gnomAD v4.1: 1 of 1,610,330 alleles (0.000062%); highest among the groups gnomAD compares: Non-Finnish European, 0.000085%; no homozygotes.

Submissions (2):

Ambry Genetics
Classification: Uncertain significance for Inborn genetic diseases. Last evaluated: 2025-01-17. Review status: criteria provided, single submitter. Criteria: Ambry Variant Classification Scheme 2023. Collection method: clinical testing. Allele origin: germline.
Comment: The p.G1234E variant (also known as c.3701G>A), located in coding exon 1 of the SAMD9 gene, results from a G to A substitution at nucleotide position 3701. The glycine at codon 1234 is replaced by glutamic acid, an amino acid with similar properties. This amino acid position is conserved. In addition, this alteration is predicted to be tolerated by in silico analysis. Based on the available evidence, the clinical significance of this variant remains unclear.

CeGaT Center for Human Genetics Tuebingen
Classification: Uncertain significance. Last evaluated: 2020-08-01. Review status: criteria provided, single submitter. Criteria: CeGaT Center For Human Genetics Tuebingen Variant Classification Criteria Version 2. Collection method: clinical testing. Allele origin: germline. Affected: yes. Observed: 1 variant allele.